The following is an entry in ClinVar:

ClinVar aggregate classification (germline): Likely pathogenic (1 of 4 stars; one submission).

Conditions:
Dilated cardiomyopathy 1G (CMD1G). Identifiers: Orphanet 154, MedGen C1858763, MONDO:0011400, OMIM 604145.
Autosomal recessive limb-girdle muscular dystrophy type 2J (LGMDR10). Also called: MUSCULAR DYSTROPHY, LIMB-GIRDLE, AUTOSOMAL RECESSIVE 10; Limb-girdle muscular dystrophy, type 2J. Identifiers: Orphanet 140922, MedGen C1837342, MONDO:0012127, OMIM 608807.

Submission:

Labcorp Genetics (formerly Invitae), Labcorp
Classification: Likely pathogenic for Dilated cardiomyopathy 1G; Autosomal recessive limb-girdle muscular dystrophy type 2J. Last evaluated: 2024-05-07. Review status: criteria provided, single submitter. Criteria: Invitae Variant Classification Sherloc (09022015). Collection method: clinical testing. Allele origin: germline.
Comment: This sequence change creates a premature translational stop signal (p.Ser34830Ilefs*7) in the TTN gene. While this is not anticipated to result in nonsense mediated decay, it is expected to create a truncated TTN protein. This variant is not present in population databases (gnomAD no frequency). This variant has not been reported in the literature in individuals affected with TTN-related conditions. This variant is located in the M band of TTN (PMID: 25589632). Truncating variants in this region have been previously reported in individuals affected with autosomal recessive myopathy and muscular dystrophy (PMID: 18948003, 23975875, 24395473). Truncating variants in this region have also been identified in individuals affected with autosomal dominant dilated cardiomyopathy and/or cardio-related conditions (PMID: 27869827, 32964742, Invitae internal data). In summary, the currently available evidence indicates that the variant is pathogenic, but additional data are needed to prove that conclusively. Therefore, this variant has been classified as Likely Pathogenic.

Literature cited by the submitters: PubMed 25589632; PubMed 18948003; PubMed 23975875; PubMed 24395473; PubMed 27869827; PubMed 32964742.

NM_001267550.2(TTN):c.104484_104487dup (p.Ser34830fs)

Genes: TTN-AS1 (TTN antisense RNA 1; plus strand), TTN (titin; minus strand). Cytogenetic location: 2q31.2.
Variant type: Duplication.
Coding change: c.104484_104487dup on transcript NM_001267550.2 (MANE Select); coding-DNA positions 104484 to 104487, 4 bases duplicated (ATCA; older notation c.104484_104487dupATCA).
Protein change: p.Ser34830fs; shifts the reading frame from serine 34830.
Molecular consequence: frameshift variant.
Genome position (GRCh38, 1-based): chr2:178,532,128-178,532,131, TGAT duplicated on the plus strand (ATCA on the coding strand, the reverse complement: TTN is on the minus strand); duplicating any 4 consecutive bases within chr2:178,532,128-178,532,132 gives the same sequence; the c. name uses the placement nearest the transcript's 3' end. VCF-style (leftmost placement, unchanged base first): chr2-178532127-A-ATGAT. GRCh37 (hg19) VCF-style: chr2-179396854-A-ATGAT.
Other names: c.99561_99564dup, p.Ser33189fs (NM_001256850.1); c.77289_77292dup, p.Ser25765fs (NM_003319.4); c.96780_96783dup, p.Ser32262fs (NM_133378.4); c.77664_77667dup, p.Ser25890fs (NM_133432.3); c.77865_77868dup, p.Ser25957fs (NM_133437.4); short protein forms S32262fs, S33189fs, S25765fs, S34830fs, S25890fs, S25957fs.
Identifiers: ClinVar variation 2944271 (VCV002944271.3), dbSNP rs2468438685, ClinGen allele CA2740095955.